The following is an entry in ClinVar:

NM_032603.5(LOXL3):c.1726C>T (p.Arg576Cys)

Gene: LOXL3 (lysyl oxidase like 3; minus strand). Cytogenetic location: 2p13.1.
Variant type: single nucleotide variant.
Coding change: c.1726C>T on transcript NM_032603.5 (MANE Select); coding-DNA position 1726, C replaced by T.
Protein change: p.Arg576Cys; replaces arginine 576 with cysteine.
Molecular consequence: missense variant.
Genome position (GRCh38, 1-based): chr2:74,534,628, G>A on the plus strand (C>T on the coding strand, the complement: LOXL3 is on the minus strand). VCF-style: chr2-74534628-G-A. GRCh37 (hg19) VCF-style: chr2-74761755-G-A.
Other names: c.1291C>T, p.Arg431Cys (NM_001289164.3); c.643C>T, p.Arg215Cys (NM_001289165.2); short protein forms R431C, R215C, R576C.
Identifiers: ClinVar variation 3119639 (VCV003119639.2), dbSNP rs779607152, ClinGen allele CA1728815.

ClinVar aggregate classification (germline): Uncertain significance. Review status: criteria provided, multiple submitters, no conflicts (2 of 4 stars). 2 submissions from 2 submitters: Uncertain significance (2). Last evaluated 2025-01-23.

Allele frequency attached by ClinVar (database versions not stated): gnomAD 0.00001; ExAC 0.00002; TOPMed 0.00002; gnomAD exomes 0.00004.
gnomAD v4.1: 54 of 1,614,126 alleles (0.0033%); highest among the groups gnomAD compares: Non-Finnish European, 0.0037%; no homozygotes.

Submissions (2):

Labcorp Genetics (formerly Invitae), Labcorp
Classification: Uncertain significance. Last evaluated: 2025-01-23. Review status: criteria provided, single submitter. Criteria: Invitae Variant Classification Sherloc (09022015). Collection method: clinical testing. Allele origin: germline.
Comment: This sequence change replaces arginine, which is basic and polar, with cysteine, which is neutral and slightly polar, at codon 576 of the LOXL3 protein (p.Arg576Cys). This variant is present in population databases (rs779607152, gnomAD 0.01%). This variant has not been reported in the literature in individuals affected with LOXL3-related conditions. ClinVar contains an entry for this variant (Variation ID: 3119639). An algorithm developed to predict the effect of missense changes on protein structure and function (PolyPhen-2) suggests that this variant is likely to be disruptive. In summary, the available evidence is currently insufficient to determine the role of this variant in disease. Therefore, it has been classified as a Variant of Uncertain Significance.

Ambry Genetics
Classification: Uncertain significance. Last evaluated: 2023-12-28. Review status: criteria provided, single submitter. Criteria: Ambry Variant Classification Scheme 2023. Collection method: clinical testing. Allele origin: germline.